The following is an entry in ClinVar:

ClinVar aggregate classification (germline): Uncertain significance (1 of 4 stars; one submission).

Conditions:
Long QT syndrome (LQTS). Identifiers: MedGen C0023976, MeSH D008133, MONDO:0002442. Disease mechanism: loss of function. Inheritance: Various modes of inheritance.

Submission:

Labcorp Genetics (formerly Invitae), Labcorp
Classification: Uncertain significance for Long QT syndrome. Last evaluated: 2024-07-19. Review status: criteria provided, single submitter. Criteria: Invitae Variant Classification Sherloc (09022015). Collection method: clinical testing. Allele origin: germline.
Comment: This sequence change replaces glycine, which is neutral and non-polar, with tryptophan, which is neutral and slightly polar, at codon 928 of the KCNH2 protein (p.Gly928Trp). This variant is not present in population databases (gnomAD no frequency). This variant has not been reported in the literature in individuals affected with KCNH2-related conditions. ClinVar contains an entry for this variant (Variation ID: 2104589). An algorithm developed to predict the effect of missense changes on protein structure and function (PolyPhen-2) suggests that this variant is likely to be disruptive. In summary, the available evidence is currently insufficient to determine the role of this variant in disease. Therefore, it has been classified as a Variant of Uncertain Significance.

NM_000238.4(KCNH2):c.2782G>T (p.Gly928Trp)

Gene: KCNH2 (potassium voltage-gated channel subfamily H member 2; minus strand). Cytogenetic location: 7q36.1.
Variant type: single nucleotide variant.
Coding change: c.2782G>T on transcript NM_000238.4 (MANE Select); coding-DNA position 2782, G replaced by T.
Protein change: p.Gly928Trp; replaces glycine 928 with tryptophan.
Molecular consequence: missense variant.
Genome position (GRCh38, 1-based): chr7:150,947,789, C>A on the plus strand (G>T on the coding strand, the complement: KCNH2 is on the minus strand). VCF-style: chr7-150947789-C-A. GRCh37 (hg19) VCF-style: chr7-150644877-C-A.
Other names: c.2494G>T, p.Gly832Trp (NM_001406753.1); c.1762G>T, p.Gly588Trp (NM_172057.3); short protein forms G928W, G832W, G588W.
Identifiers: ClinVar variation 2104589 (VCV002104589.4), dbSNP rs769259008, ClinGen allele CA369853416.